The following is an entry in ClinVar:

ClinVar aggregate classification (germline): Conflicting classifications of pathogenicity. Review status: criteria provided, conflicting classifications (1 of 4 stars). 2 submissions from 2 submitters: Likely pathogenic (1); Uncertain significance (1). Last evaluated 2023-11-06.

Conditions:
Arrhythmogenic cardiomyopathy with wooly hair and keratoderma. Also called: Arrhythmogenic cardiomyopathy with woolly hair and keratoderma; Dilated cardiomyopathy with woolly hair and keratoderma; PALMOPLANTAR KERATODERMA WITH LEFT VENTRICULAR CARDIOMYOPATHY AND WOOLLY HAIR; Carvajal syndrome. Identifiers: Orphanet 65282, MedGen C1854063, MONDO:0011581, OMIM 605676.
Arrhythmogenic right ventricular dysplasia 8 (ARVD8). Also called: Arrhythmogenic Right Ventricular Dysplasia/Cardiomyopathy 8; ARRHYTHMOGENIC RIGHT VENTRICULAR DYSPLASIA, FAMILIAL, 8; ARRHYTHMOGENIC RIGHT VENTRICULAR CARDIOMYOPATHY 8. Identifiers: MedGen C1843896, MONDO:0011831, OMIM 607450.
DSP-related disorder. Also called: DSP-related condition; DSP-related disorders.

Submissions (2):

Labcorp Genetics (formerly Invitae), Labcorp
Classification: Uncertain significance for Arrhythmogenic cardiomyopathy with wooly hair and keratoderma; Arrhythmogenic right ventricular dysplasia 8. Last evaluated: 2023-11-06. Review status: criteria provided, single submitter. Criteria: Invitae Variant Classification Sherloc (09022015). Collection method: clinical testing. Allele origin: germline.
Comment: This sequence change replaces arginine, which is basic and polar, with proline, which is neutral and non-polar, at codon 1045 of the DSP protein (p.Arg1045Pro). This variant is not present in population databases (gnomAD no frequency). This variant has not been reported in the literature in individuals affected with DSP-related conditions. An algorithm developed to predict the effect of missense changes on protein structure and function (PolyPhen-2) suggests that this variant is likely to be disruptive. In summary, the available evidence is currently insufficient to determine the role of this variant in disease. Therefore, it has been classified as a Variant of Uncertain Significance.

Blueprint Genetics
Classification: Likely pathogenic for DSP-related disorders. Last evaluated: 2023-07-19. Review status: criteria provided, single submitter. Criteria: ACMG Guidelines, 2015. Collection method: clinical testing. Allele origin: germline. Affected: yes. Observed: 1 variant allele.

NM_004415.4(DSP):c.3134G>C (p.Arg1045Pro)

Gene: DSP (desmoplakin; plus strand). Cytogenetic location: 6p24.3.
Variant type: single nucleotide variant.
Coding change: c.3134G>C on transcript NM_004415.4 (MANE Select); coding-DNA position 3134, G replaced by C.
Protein change: p.Arg1045Pro; replaces arginine 1045 with proline.
Molecular consequence: missense variant.
Genome position (GRCh38, 1-based): chr6:7,579,324, G>C. VCF-style: chr6-7579324-G-C. GRCh37 (hg19) VCF-style: chr6-7579557-G-C.
Other names: c.3134G>C, p.Arg1045Pro (NM_001008844.3, NM_001319034.2); short protein forms R1045P.
Identifiers: ClinVar variation 2953604 (VCV002953604.4), dbSNP rs374263890, ClinGen allele CA005742.